The following is an entry in ClinVar:

ClinVar aggregate classification (germline): Uncertain significance. Review status: criteria provided, multiple submitters, no conflicts (2 of 4 stars). 3 submissions from 3 submitters: Uncertain significance (3). Last evaluated 2026-01-17.

Conditions:
Familial hypobetalipoproteinemia 1. Also called: APOB-Related Familial Hypobetalipoproteinemia; Hypobetalipoproteinemia, normotriglyceridemic; Acanthocytosis with hypobetalipoproteinemia. Identifiers: MedGen C4551990, MONDO:0014252, OMIM 615558.
Hypercholesterolemia, autosomal dominant, type B (FHCL2). Also called: APOLIPOPROTEIN B-100, FAMILIAL DEFECTIVE; APOLIPOPROTEIN B-100, FAMILIAL LIGAND-DEFECTIVE; HYPERCHOLESTEROLEMIA, FAMILIAL, DUE TO LIGAND-DEFECTIVE APOLIPOPROTEIN B; Familial Hypercholesterolemia Type B; Familial hypercholesterolemia 2; APOB-Related Familial Hypercholesterolemia, Autosomal Dominant. Identifiers: MedGen C1704417, MONDO:0007751, OMIM 144010.
Cardiovascular phenotype. Identifiers: MedGen CN230736.

gnomAD v4.1: 3 of 1,614,050 alleles (0.00019%); highest among the groups gnomAD compares: East Asian, 0.0022%; no homozygotes.

Submissions (3):

Ambry Genetics
Classification: Uncertain significance for Cardiovascular phenotype. Last evaluated: 2026-01-17. Review status: criteria provided, single submitter. Criteria: Ambry Variant Classification Scheme 2023. Collection method: clinical testing. Allele origin: germline.
Comment: The p.P536A variant (also known as c.1606C>G), located in coding exon 12 of the APOB gene, results from a C to G substitution at nucleotide position 1606. The proline at codon 536 is replaced by alanine, an amino acid with highly similar properties. This amino acid position is conserved. In addition, this alteration is predicted to be tolerated by in silico analysis. Based on the available evidence, the clinical significance of this variant remains unclear.

Labcorp Genetics (formerly Invitae), Labcorp
Classification: Uncertain significance for Familial hypobetalipoproteinemia 1; Hypercholesterolemia, autosomal dominant, type B. Last evaluated: 2024-09-14. Review status: criteria provided, single submitter. Criteria: Invitae Variant Classification Sherloc (09022015). Collection method: clinical testing. Allele origin: germline.
Comment: This sequence change replaces proline, which is neutral and non-polar, with alanine, which is neutral and non-polar, at codon 536 of the APOB protein (p.Pro536Ala). This variant is present in population databases (no rsID available, gnomAD 0.0009%). This missense change has been observed in individual(s) with clinical features of familial hypercholesterolemia (internal data). ClinVar contains an entry for this variant (Variation ID: 2593731). Invitae Evidence Modeling of protein sequence and biophysical properties (such as structural, functional, and spatial information, amino acid conservation, physicochemical variation, residue mobility, and thermodynamic stability) indicates that this missense variant is not expected to disrupt APOB protein function with a negative predictive value of 95%. In summary, the available evidence is currently insufficient to determine the role of this variant in disease. Therefore, it has been classified as a Variant of Uncertain Significance.

Quest Diagnostics Nichols Institute San Juan Capistrano
Classification: Uncertain significance. Last evaluated: 2024-07-26. Review status: criteria provided, single submitter. Criteria: Quest Diagnostics criteria. Collection method: clinical testing. Allele origin: unknown.
Comment: The APOB c.1606C>G (p.Pro536Ala) variant has not been reported in individuals with APOB-related conditions in the published literature. The frequency of this variant in the general population, 0.000004 (1/251256 chromosomes (Genome Aggregation Database)), is uninformative in the assessment of its pathogenicity. Analysis of this variant using bioinformatics tools for the prediction of the effect of amino acid changes on protein structure and function yielded predictions that this variant is benign. Based on the available information, we are unable to determine the clinical significance of this variant.

NM_000384.3(APOB):c.1606C>G (p.Pro536Ala)

Gene: APOB (apolipoprotein B; minus strand). Cytogenetic location: 2p24.1.
Variant type: single nucleotide variant.
Coding change: c.1606C>G on transcript NM_000384.3 (MANE Select); coding-DNA position 1606, C replaced by G.
Protein change: p.Pro536Ala; replaces proline 536 with alanine.
Molecular consequence: missense variant.
Genome position (GRCh38, 1-based): chr2:21,029,650, G>C on the plus strand (C>G on the coding strand, the complement: APOB is on the minus strand). VCF-style: chr2-21029650-G-C. GRCh37 (hg19) VCF-style: chr2-21252522-G-C.
Other names: short protein forms P536A.
Identifiers: ClinVar variation 2593731 (VCV002593731.6), dbSNP rs760504695, ClinGen allele CA43525503.